The following is an entry in ClinVar:

ClinVar aggregate classification (germline): Uncertain significance (1 of 4 stars; one submission).

Conditions:
Perlman syndrome (PRLMNS). Identifiers: Orphanet 2849, MedGen C0796113, MONDO:0009965, OMIM 267000.

Submission:

Labcorp Genetics (formerly Invitae), Labcorp
Classification: Uncertain significance for Perlman syndrome. Last evaluated: 2023-04-19. Review status: criteria provided, single submitter. Criteria: Invitae Variant Classification Sherloc (09022015). Collection method: clinical testing. Allele origin: germline.
Comment: In summary, the available evidence is currently insufficient to determine the role of this variant in disease. Therefore, it has been classified as a Variant of Uncertain Significance. An algorithm developed to predict the effect of missense changes on protein structure and function (PolyPhen-2) suggests that this variant is likely to be disruptive. RNA analysis performed to evaluate the impact of this missense change on mRNA splicing indicates it does not significantly alter splicing (Invitae). ClinVar contains an entry for this variant (Variation ID: 2077207). This sequence change replaces proline, which is neutral and non-polar, with glutamine, which is neutral and polar, at codon 602 of the DIS3L2 protein (p.Pro602Gln). Information on the frequency of this variant in the gnomAD database is not available, as this variant may be reported differently in the database. This variant has not been reported in the literature in individuals affected with DIS3L2-related conditions.

NM_152383.5(DIS3L2):c.1805_1806delinsAG (p.Pro602Gln)

Gene: DIS3L2 (DIS3 like 3'-5' exoribonuclease 2; plus strand). Cytogenetic location: 2q37.1.
Variant type: Indel.
Coding change: c.1805_1806delinsAG on transcript NM_152383.5 (MANE Select); coding-DNA positions 1805 to 1806, CC replaced by AG.
Protein change: p.Pro602Gln; replaces proline 602 with glutamine.
Molecular consequence: missense variant. On other transcripts: intron variant (1).
Genome position (GRCh38, 1-based): chr2:232,329,878-232,329,879, CC replaced by AG. VCF-style: chr2-232329878-CC-AG. GRCh37 (hg19) VCF-style: chr2-233194588-CC-AG.
Other names: c.1582-13467_1582-13466delinsAG (NM_001257281.2); short protein forms P602Q.
Identifiers: ClinVar variation 2077207 (VCV002077207.4), dbSNP rs2469434204, ClinGen allele CA2580066035.
Genomic context (GRCh38, chr2:232,329,878, plus strand): 5'-TGGAGGAGTTCATGCTCTTGGCCAACATGGCAGTGGCCCACAAGATCCACCGCGCCTTCC[CC>AG]GAGCAGGCCCTGCTGCGCCGGCACCCCCCGCCCCAAACAAGGATGCTCAGTGACCTGGTG-3'
Protein context (NP_689596.4, residues 592-612): AVAHKIHRAF[Pro602Gln]EQALLRRHPP